The following is an entry in ClinVar:

ClinVar aggregate classification (germline): Pathogenic/Likely pathogenic. Review status: criteria provided, multiple submitters, no conflicts (2 of 4 stars). 3 submissions from 3 submitters: Pathogenic (1); Likely pathogenic (2). Last evaluated 2024-11-24.

Conditions:
Ornithine aminotransferase deficiency (GACR). Also called: OAT DEFICIENCY; OKT DEFICIENCY; HYPERORNITHINEMIA WITH GYRATE ATROPHY OF CHOROID AND RETINA; Ornithine ketoacid aminotransferase deficiency; Gyrate atrophy; Gyrate atrophy of choroid and retina. Identifiers: Orphanet 414, MedGen C0018425, MONDO:0009796, OMIM 258870.

Submissions (3):

Natera, Inc.
Classification: Likely pathogenic for Gyrate atrophy. Last evaluated: 2024-11-24. Review status: criteria provided, single submitter. Criteria: Natera Variant Classification Schema (03/2026). Collection method: clinical testing. Allele origin: germline.
Comment: The c.764_771+9delinsTTAGCTGTTTGTATCACACCA variant in OAT is a deletion-insertion (delins) variant predicted to replace one or more nucleotides with a different sequence. This variant is expected to result in nonsense mediated decay, truncation, or a dysfunctional protein product. This variant is rare in the general population with a frequency below the threshold expected for the associated phenotype(s). Given the available evidence, this variant is classified as Likely Pathogenic.

Fulgent Genetics
Classification: Likely pathogenic for Ornithine aminotransferase deficiency. Last evaluated: 2024-01-30. Review status: criteria provided, single submitter. Criteria: ACMG Guidelines, 2015. Collection method: clinical testing. Allele origin: germline.

Labcorp Genetics (formerly Invitae), Labcorp
Classification: Pathogenic for Ornithine aminotransferase deficiency. Last evaluated: 2022-05-04. Review status: criteria provided, single submitter. Criteria: Invitae Variant Classification Sherloc (09022015). Collection method: clinical testing. Allele origin: germline.
Comment: For these reasons, this variant has been classified as Pathogenic. This variant has not been reported in the literature in individuals affected with OAT-related conditions. This variant is not present in population databases (gnomAD no frequency). This sequence change creates a premature translational stop signal (p.Arg255Ilefs*13) in the OAT gene. It is expected to result in an absent or disrupted protein product. Loss-of-function variants in OAT are known to be pathogenic (PMID: 1737786, 23076989).

Literature cited by the submitters: PubMed 1737786 (cited by Labcorp Genetics (formerly Invitae), Labcorp); PubMed 23076989 (cited by Labcorp Genetics (formerly Invitae), Labcorp).

NM_000274.4(OAT):c.764_771+9delinsTTAGCTGTTTGTATCACACCA

Genes: OAT (ornithine aminotransferase; minus strand), LOC121815974 (Sharpr-MPRA regulatory region 15365; plus strand). Cytogenetic location: 10q26.13.
Variant type: Indel.
Coding change: c.764_771+9delinsTTAGCTGTTTGTATCACACCA on transcript NM_000274.4 (MANE Select); coding-DNA position 764 through 9 bases into the intron after coding-DNA position 771, GGCACCAGGTTGTCACG replaced by TTAGCTGTTTGTATCACACCA.
Molecular consequence: splice donor variant.
Genome position (GRCh38, 1-based): chr10:124,403,789-124,403,805, CGTGACAACCTGGTGCC replaced by TGGTGTGATACAAACAGCTAA on the plus strand (GGCACCAGGTTGTCACG replaced by TTAGCTGTTTGTATCACACCA on the coding strand, the reverse complement: OAT is on the minus strand). GRCh37 (hg19): chr10:126,092,358-126,092,374.
Other names: c.764_771+9delinsTTAGCTGTTTGTATCACACCA (NM_000274.3, NM_001322965.2, NM_001322969.2 and 4 more transcripts); c.350_357+9delinsTTAGCTGTTTGTATCACACCA (NM_001171814.2); c.164_171+9delinsTTAGCTGTTTGTATCACACCA (NM_001322974.2); c.443_450+9delinsTTAGCTGTTTGTATCACACCA (NM_001322971.2).
Identifiers: ClinVar variation 2133737 (VCV002133737.6), dbSNP rs2494464522, ClinGen allele CA2580082445.